The following is an entry in ClinVar:

NM_004415.4(DSP):c.4649C>G (p.Thr1550Ser)

Gene: DSP (desmoplakin; plus strand). Cytogenetic location: 6p24.3.
Variant type: single nucleotide variant.
Coding change: c.4649C>G on transcript NM_004415.4 (MANE Select); coding-DNA position 4649, C replaced by G.
Protein change: p.Thr1550Ser; replaces threonine 1550 with serine.
Molecular consequence: missense variant. On other transcripts: intron variant (2).
Genome position (GRCh38, 1-based): chr6:7,580,839, C>G. VCF-style: chr6-7580839-C-G. GRCh37 (hg19) VCF-style: chr6-7581072-C-G.
Other names: c.4649C>G (LRG_423t1); c.4050+599C>G (NM_001319034.2); c.3582+1067C>G (NM_001008844.3); short protein forms T1550S.
Identifiers: ClinVar variation 534286 (VCV000534286.11), dbSNP rs928167721, ClinGen allele CA133970115.

ClinVar aggregate classification (germline): Uncertain significance (1 of 4 stars; one submission).

Conditions:
Arrhythmogenic cardiomyopathy with wooly hair and keratoderma. Also called: PALMOPLANTAR KERATODERMA WITH LEFT VENTRICULAR CARDIOMYOPATHY AND WOOLLY HAIR; Carvajal syndrome; Dilated cardiomyopathy with woolly hair and keratoderma; Arrhythmogenic cardiomyopathy with woolly hair and keratoderma. Identifiers: Orphanet 65282, MedGen C1854063, MONDO:0011581, OMIM 605676.
Arrhythmogenic right ventricular dysplasia 8 (ARVD8). Also called: Arrhythmogenic Right Ventricular Dysplasia/Cardiomyopathy 8; ARRHYTHMOGENIC RIGHT VENTRICULAR DYSPLASIA, FAMILIAL, 8; ARRHYTHMOGENIC RIGHT VENTRICULAR CARDIOMYOPATHY 8. Identifiers: MedGen C1843896, MONDO:0011831, OMIM 607450.

Allele frequency attached by ClinVar (database versions not stated): TOPMed below 0.00001; gnomAD exomes 0.00001.
gnomAD v4.1: 7 of 1,614,134 alleles (0.00043%); highest among the groups gnomAD compares: Non-Finnish European, 0.00059%; no homozygotes.

Submission:

Labcorp Genetics (formerly Invitae), Labcorp
Classification: Uncertain significance for Arrhythmogenic cardiomyopathy with wooly hair and keratoderma; Arrhythmogenic right ventricular dysplasia 8. Last evaluated: 2019-03-12. Review status: criteria provided, single submitter. Criteria: Invitae Variant Classification Sherloc (09022015). Collection method: clinical testing. Allele origin: germline.
Comment: This variant is not present in population databases (ExAC no frequency). In summary, the available evidence is currently insufficient to determine the role of this variant in disease. Therefore, it has been classified as a Variant of Uncertain Significance. Algorithms developed to predict the effect of missense changes on protein structure and function output the following: SIFT: "Tolerated"; PolyPhen-2: "Benign"; Align-GVGD: "Class C0". The serine amino acid residue is found in multiple mammalian species, suggesting that this missense change does not adversely affect protein function. These predictions have not been confirmed by published functional studies and their clinical significance is uncertain. This variant has not been reported in the literature in individuals with DSP-related disease. This sequence change replaces threonine with serine at codon 1550 of the DSP protein (p.Thr1550Ser). The threonine residue is moderately conserved and there is a small physicochemical difference between threonine and serine.